The following is an entry in ClinVar:

NM_019109.5(ALG1):c.1001A>G (p.His334Arg)

Gene: ALG1 (ALG1 chitobiosyldiphosphodolichol beta-mannosyltransferase; plus strand). Cytogenetic location: 16p13.3.
Variant type: single nucleotide variant.
Coding change: c.1001A>G on transcript NM_019109.5 (MANE Select); coding-DNA position 1001, A replaced by G.
Protein change: p.His334Arg; replaces histidine 334 with arginine.
Molecular consequence: missense variant.
Genome position (GRCh38, 1-based): chr16:5,080,985, A>G. VCF-style: chr16-5080985-A-G. GRCh37 (hg19) VCF-style: chr16-5130986-A-G.
Other names: c.1001A>G (NM_019109.4); c.668A>G, p.His223Arg (NM_001330504.2); short protein forms H223R, H334R.
Identifiers: ClinVar variation 1346435 (VCV001346435.5), dbSNP rs756058300, ClinGen allele CA7890168.

ClinVar aggregate classification (germline): Uncertain significance. Review status: criteria provided, multiple submitters, no conflicts (2 of 4 stars). 3 submissions from 3 submitters: Uncertain significance (3). Last evaluated 2024-04-24.

Conditions:
Inborn genetic diseases. Identifiers: MedGen C0950123, MeSH D030342.
ALG1-congenital disorder of glycosylation. Also called: CONGENITAL DISORDER OF GLYCOSYLATION, TYPE Ik; ALG1-CDG; CDG Ik. Identifiers: Orphanet 79327, MedGen C2931005, MONDO:0012052, OMIM 608540.

Allele frequency attached by ClinVar (database versions not stated): gnomAD 0.00002; TOPMed 0.00002; ExAC 0.00004; gnomAD exomes 0.00005.
gnomAD v4.1: 18 of 1,596,010 alleles (0.0011%); highest among the groups gnomAD compares: Admixed American, 0.03%; no homozygotes.

Submissions (3):

Ambry Genetics
Classification: Uncertain significance for Inborn genetic diseases. Last evaluated: 2024-04-24. Review status: criteria provided, single submitter. Criteria: Ambry Variant Classification Scheme 2023. Collection method: clinical testing. Allele origin: germline.

Labcorp Genetics (formerly Invitae), Labcorp
Classification: Uncertain significance for ALG1-congenital disorder of glycosylation. Last evaluated: 2022-06-23. Review status: criteria provided, single submitter. Criteria: Invitae Variant Classification Sherloc (09022015). Collection method: clinical testing. Allele origin: germline.
Comment: This sequence change replaces histidine, which is basic and polar, with arginine, which is basic and polar, at codon 334 of the ALG1 protein (p.His334Arg). This variant is present in population databases (rs756058300, gnomAD 0.03%). This variant has not been reported in the literature in individuals affected with ALG1-related conditions. Advanced modeling of protein sequence and biophysical properties (such as structural, functional, and spatial information, amino acid conservation, physicochemical variation, residue mobility, and thermodynamic stability) performed at Invitae indicates that this missense variant is not expected to disrupt ALG1 protein function. In summary, the available evidence is currently insufficient to determine the role of this variant in disease. Therefore, it has been classified as a Variant of Uncertain Significance.

Fulgent Genetics
Classification: Uncertain significance for ALG1-congenital disorder of glycosylation. Last evaluated: 2022-05-02. Review status: criteria provided, single submitter. Criteria: ACMG Guidelines, 2015. Collection method: clinical testing. Allele origin: unknown.